The following is an entry in ClinVar:

ClinVar aggregate classification (germline): Uncertain significance (1 of 4 stars; one submission).

Conditions:
Cardiomyopathy (CMYO). Also called: Cardiomyopathies. Identifiers: Orphanet 167848, MedGen C0878544, MONDO:0004994, HP:0001638. Inheritance: Various modes of inheritance.

Submission:

Color Diagnostics, LLC DBA Color Health
Classification: Uncertain significance for Cardiomyopathy. Last evaluated: 2025-09-09. Review status: criteria provided, single submitter. Criteria: ACMG Guidelines, 2015. Collection method: clinical testing. Allele origin: germline.
Comment: This missense variant replaces histidine with arginine at codon 3588 of the RYR2 protein. Computational prediction is inconclusive regarding the impact of this variant on protein structure and function. To our knowledge, functional studies have not been reported for this variant. This variant has not been reported in individuals affected with RYR2-related disorders in the literature. This variant has not been identified in the general population by the Genome Aggregation Database (gnomAD). The available evidence is insufficient to determine the role of this variant in disease conclusively. Therefore, this variant is classified as a Variant of Uncertain Significance.

NM_001035.3(RYR2):c.10763A>G (p.His3588Arg)

Gene: RYR2 (ryanodine receptor 2; plus strand). Cytogenetic location: 1q43.
Variant type: single nucleotide variant.
Coding change: c.10763A>G on transcript NM_001035.3 (MANE Select); coding-DNA position 10763, A replaced by G.
Protein change: p.His3588Arg; replaces histidine 3588 with arginine.
Molecular consequence: missense variant.
Genome position (GRCh38, 1-based): chr1:237,727,124, A>G. VCF-style: chr1-237727124-A-G. GRCh37 (hg19) VCF-style: chr1-237890424-A-G.
Other names: short protein forms H3588R.
Identifiers: ClinVar variation 4758000 (VCV004758000.1).